The following is an entry in ClinVar:

NM_000238.4(KCNH2):c.286A>G (p.Ile96Val)

Gene: KCNH2 (potassium voltage-gated channel subfamily H member 2; minus strand). Cytogenetic location: 7q36.1.
Variant type: single nucleotide variant.
Coding change: c.286A>G on transcript NM_000238.4 (MANE Select); coding-DNA position 286, A replaced by G.
Protein change: p.Ile96Val; replaces isoleucine 96 with valine.
Molecular consequence: missense variant.
Genome position (GRCh38, 1-based): chr7:150,974,732, T>C on the plus strand (A>G on the coding strand, the complement: KCNH2 is on the minus strand). VCF-style: chr7-150974732-T-C. GRCh37 (hg19) VCF-style: chr7-150671820-T-C.
Other names: c.286A>G (LRG_288t1); c.109A>G, p.Ile37Val (NM_001406755.1); c.286A>G, p.Ile96Val (NM_172056.3); short protein forms I96V, I37V.
Identifiers: ClinVar variation 67446 (VCV000067446.3), dbSNP rs199473496, ClinGen allele CA007547.
Genomic context (GRCh38, chr7:150,974,732, plus strand): 5'-CCCGCCCCTGGTCGTGGCCCCGCCCCGGCCCGCTCCTACCATCTTTCCGGTAGAAGGCGA[T>C]TTCCACTTTGCGCTCCTCGGCGCCCAGCAGTGCCTGCGCGATCTGCGCGGCAGCGCGGCG-3'
Protein context (NP_000229.1, residues 86-106): LLGAEERKVE[Ile96Val]AFYRKDGSCF

ClinVar aggregate classification (germline): not provided (0 of 4 stars; one submission).

Conditions:
Familial long QT syndrome (RWS). Also called: Congenital long QT syndrome; Romano-Ward syndrome; VENTRICULAR FIBRILLATION WITH PROLONGED QT INTERVAL. Identifiers: Orphanet 768, MedGen C1141890, MONDO:0019171.

Submission:

Cardiovascular Biomedical Research Unit, Royal Brompton & Harefield NHS Foundation Trust
No classification provided. Condition: Familial long QT syndrome. Review status: no classification provided. Collection method: literature only. Allele origin: germline.
Comment: This variant has been reported as associated with Long QT syndrome in the following publications (PMID:19841300). This is a literature report, and does not necessarily reflect the clinical interpretation of the Imperial College / Royal Brompton Cardiovascular Genetics laboratory.

Literature cited by the submitters: PubMed 19841300; PubMed 22581653.